The following is an entry in ClinVar:

NM_017675.6(CDHR2):c.1221G>A (p.Ser407=)

Gene: CDHR2 (cadherin related family member 2; plus strand). Cytogenetic location: 5q35.2.
Variant type: single nucleotide variant.
Coding change: c.1221G>A on transcript NM_017675.6 (MANE Select); coding-DNA position 1221, G replaced by A.
Protein change: p.Ser407=; no amino-acid change (serine 407 retained).
Molecular consequence: synonymous variant.
Genome position (GRCh38, 1-based): chr5:176,577,425, G>A. VCF-style: chr5-176577425-G-A. GRCh37 (hg19) VCF-style: chr5-176004426-G-A.
Other names: c.1221G>A, p.Ser407= (NM_001171976.2).
Identifiers: ClinVar variation 2656089 (VCV002656089.24), dbSNP rs376960328, ClinGen allele CA3570457.

ClinVar aggregate classification (germline): Likely benign (1 of 4 stars; one submission).

Allele frequency attached by ClinVar (database versions not stated): ESP Exome Variant Server 0.00015; 1000 Genomes Project 30x 0.00016; 1000 Genomes Project 0.00020; gnomAD 0.00020.
gnomAD v4.1: 321 of 1,609,690 alleles (0.02%); highest among the groups gnomAD compares: Middle Eastern, 0.017%; no homozygotes.

Submission:

CeGaT Center for Human Genetics Tuebingen
Classification: Likely benign. Last evaluated: 2023-02-01. Review status: criteria provided, single submitter. Criteria: CeGaT Center For Human Genetics Tuebingen Variant Classification Criteria Version 2. Collection method: clinical testing. Allele origin: germline. Affected: yes. Observed: 1 variant allele.
Comment: CDHR2: BP4, BP7